The following is an entry in ClinVar:

ClinVar aggregate classification (germline): Likely benign. Review status: criteria provided, multiple submitters, no conflicts (2 of 4 stars). 3 submissions from 3 submitters: Likely benign (2). 1 of the submissions does not count toward it. Last evaluated 2025-10-19.

Conditions:
Cohen syndrome (COH1). Also called: PEPPER SYNDROME; Cutis verticis gyrata, retinitis pigmentosa, and sensorineural deafness. Identifiers: Orphanet 193, MedGen C0265223, MONDO:0008999, OMIM 216550.
VPS13B-related disorder. Also called: VPS13B-related condition.

Allele frequency attached by ClinVar (database versions not stated): gnomAD exomes 0.00001; TOPMed 0.00001; gnomAD 0.00002.
gnomAD v4.1: 21 of 1,613,864 alleles (0.0013%); highest among the groups gnomAD compares: Non-Finnish European, 0.0015%; no homozygotes.

Submissions (3):

Labcorp Genetics (formerly Invitae), Labcorp
Classification: Likely benign for Cohen syndrome. Last evaluated: 2025-10-19. Review status: criteria provided, single submitter. Criteria: Invitae Variant Classification Sherloc (09022015). Collection method: clinical testing. Allele origin: germline.

Blueprint Genetics
Classification: Likely benign. Last evaluated: 2024-11-27. Review status: criteria provided, single submitter. Criteria: ACMG Guidelines, 2015. Collection method: clinical testing. Allele origin: germline.

PreventionGenetics, part of Exact Sciences
Classification: Likely benign for VPS13B-related condition. Last evaluated: 2021-11-05. Review status: no assertion criteria provided. Collection method: clinical testing. Allele origin: germline. Not counted in ClinVar's aggregate classification.
Comment: This variant is classified as likely benign based on ACMG/AMP sequence variant interpretation guidelines (Richards et al. 2015 PMID: 25741868, with internal and published modifications).

NM_152564.5(VPS13B):c.4224+560C>T

Gene: VPS13B (vacuolar protein sorting 13 homolog B; plus strand). Cytogenetic location: 8q22.2.
Variant type: single nucleotide variant.
Coding change: c.4224+560C>T on transcript NM_152564.5 (MANE Select); 560 bases into the intron after coding-DNA position 4224, C replaced by T.
Molecular consequence: intron variant.
Genome position (GRCh38, 1-based): chr8:99,507,763, C>T. VCF-style: chr8-99507763-C-T. GRCh37 (hg19) VCF-style: chr8-100519991-C-T.
Other names: c.4158-7C>T (NM_017890.4, NM_017890.5).
Identifiers: ClinVar variation 1161021 (VCV001161021.11), dbSNP rs368951087, ClinGen allele CA583875635.